The following is an entry in ClinVar:

NM_002519.3(NPAT):c.1441A>G (p.Met481Val)

Gene: NPAT (nuclear protein, coactivator of histone transcription; minus strand). Cytogenetic location: 11q22.3.
Variant type: single nucleotide variant.
Coding change: c.1441A>G on transcript NM_002519.3 (MANE Select); coding-DNA position 1441, A replaced by G.
Protein change: p.Met481Val; replaces methionine 481 with valine.
Molecular consequence: missense variant.
Genome position (GRCh38, 1-based): chr11:108,173,543, T>C on the plus strand (A>G on the coding strand, the complement: NPAT is on the minus strand). VCF-style: chr11-108173543-T-C. GRCh37 (hg19) VCF-style: chr11-108044270-T-C.
Other names: c.1441A>G, p.Met481Val (NM_001321307.1); short protein forms M481V.
Identifiers: ClinVar variation 2453732 (VCV002453732.3), dbSNP rs2077975899, ClinGen allele CA382515222.
Genomic context (GRCh38, chr11:108,173,543, plus strand): 5'-GTAACTGAGATTCACTCGGTACATTTGAAGACAAAGAGTTCTTTTCAATCCCTATAGCCA[T>C]TTCAGTTTCAGTGGACATCTGATTGGTGTATAATTCAGCACAATGTGGATTACATTCAGC-3'
Protein context (NP_002510.2, residues 471-491): YTNQMSTETE[Met481Val]AIGIEKNSLS

ClinVar aggregate classification (germline): Uncertain significance. Review status: criteria provided, multiple submitters, no conflicts (2 of 4 stars). 2 submissions from 2 submitters: Uncertain significance (2). Last evaluated 2025-09-28.

Allele frequency attached by ClinVar (database versions not stated): TOPMed below 0.00001.

Submissions (2):

Labcorp Genetics (formerly Invitae), Labcorp
Classification: Uncertain significance. Last evaluated: 2025-09-28. Review status: criteria provided, single submitter. Criteria: Invitae Variant Classification Sherloc (09022015). Collection method: clinical testing. Allele origin: germline.
Comment: This sequence change replaces methionine, which is neutral and non-polar, with valine, which is neutral and non-polar, at codon 481 of the NPAT protein (p.Met481Val). This variant is not present in population databases (gnomAD no frequency). This variant has not been reported in the literature in individuals affected with NPAT-related conditions. ClinVar contains an entry for this variant (Variation ID: 2453732). An algorithm developed to predict the effect of missense changes on protein structure and function outputs the following: PolyPhen-2: "Benign". The valine amino acid residue is found in multiple mammalian species, which suggests that this missense change does not adversely affect protein function. In summary, the available evidence is currently insufficient to determine the role of this variant in disease. Therefore, it has been classified as a Variant of Uncertain Significance.

Ambry Genetics
Classification: Uncertain significance. Last evaluated: 2023-12-08. Review status: criteria provided, single submitter. Criteria: Ambry Variant Classification Scheme 2023. Collection method: clinical testing. Allele origin: germline.